The following is an entry in ClinVar:

NM_172201.2(KCNE2):c.292A>C (p.Ser98Arg)

Genes: KCNE2 (potassium voltage-gated channel subfamily E regulatory subunit 2; plus strand), LOC105372791 (uncharacterized LOC105372791; minus strand). Cytogenetic location: 21q22.11.
Variant type: single nucleotide variant.
Coding change: c.292A>C on transcript NM_172201.2 (MANE Select); coding-DNA position 292, A replaced by C.
Protein change: p.Ser98Arg; replaces serine 98 with arginine.
Molecular consequence: missense variant.
Genome position (GRCh38, 1-based): chr21:34,370,770, A>C. VCF-style: chr21-34370770-A-C. GRCh37 (hg19) VCF-style: chr21-35743069-A-C.
Other names: short protein forms S98R.
Identifiers: ClinVar variation 1797779 (VCV001797779.2), dbSNP rs1392259151, ClinGen allele CA410196995.

ClinVar aggregate classification (germline): Uncertain significance (1 of 4 stars; one submission).

Conditions:
Cardiovascular phenotype. Identifiers: MedGen CN230736.

Allele frequency attached by ClinVar (database versions not stated): gnomAD 0.00001; TOPMed 0.00002.
gnomAD v4.1: 1 of 1,614,090 alleles (0.000062%); highest among the groups gnomAD compares: African/African-American, 0.0013%; no homozygotes.

Submission:

Ambry Genetics
Classification: Uncertain significance for Cardiovascular phenotype. Last evaluated: 2022-08-08. Review status: criteria provided, single submitter. Criteria: Ambry Variant Classification Scheme 2023. Collection method: clinical testing. Allele origin: germline.
Comment: The p.S98R variant (also known as c.292A>C), located in coding exon 1 of the KCNE2 gene, results from an A to C substitution at nucleotide position 292. The serine at codon 98 is replaced by arginine, an amino acid with dissimilar properties. This amino acid position is not well conserved in available vertebrate species. In addition, the in silico prediction for this alteration is inconclusive. Since supporting evidence is limited at this time, the clinical significance of this alteration remains unclear.